The following is an entry in ClinVar:

ClinVar aggregate classification (germline): Uncertain significance (1 of 4 stars; one submission).

Conditions:
Epileptic encephalopathy. Identifiers: MedGen C0543888, HP:0200134.

gnomAD v4.1: 1 of 1,614,066 alleles (0.000062%); highest among the groups gnomAD compares: Non-Finnish European, 0.000085%; no homozygotes.

Submission:

Labcorp Genetics (formerly Invitae), Labcorp
Classification: Uncertain significance for Epileptic encephalopathy. Last evaluated: 2023-07-12. Review status: criteria provided, single submitter. Criteria: Invitae Variant Classification Sherloc (09022015). Collection method: clinical testing. Allele origin: germline.
Comment: This sequence change creates a premature translational stop signal (p.Gln370*) in the GABBR2 gene. It is expected to result in an absent or disrupted protein product. However, the current clinical and genetic evidence is not sufficient to establish whether loss-of-function variants in GABBR2 cause disease. This variant is not present in population databases (gnomAD no frequency). This premature translational stop signal has been observed in individual(s) with developmental and epileptic encephalopathy (Invitae). In summary, the available evidence is currently insufficient to determine the role of this variant in disease. Therefore, it has been classified as a Variant of Uncertain Significance.

NM_005458.8(GABBR2):c.1108C>T (p.Gln370Ter)

Gene: GABBR2 (gamma-aminobutyric acid type B receptor subunit 2; minus strand). Cytogenetic location: 9q22.33.
Variant type: single nucleotide variant.
Coding change: c.1108C>T on transcript NM_005458.8 (MANE Select); coding-DNA position 1108, C replaced by T.
Protein change: p.Gln370Ter; replaces glutamine 370 with a stop codon.
Molecular consequence: nonsense.
Genome position (GRCh38, 1-based): chr9:98,454,109, G>A on the plus strand (C>T on the coding strand, the complement: GABBR2 is on the minus strand). VCF-style: chr9-98454109-G-A. GRCh37 (hg19) VCF-style: chr9-101216391-G-A.
Other names: short protein forms Q370*.
Identifiers: ClinVar variation 2861863 (VCV002861863.3), dbSNP rs760719727, ClinGen allele CA374350569.